The following is an entry in ClinVar:

ClinVar aggregate classification (germline): Uncertain significance. Review status: reviewed by expert panel (3 of 4 stars). 7 submissions from 7 submitters: Uncertain significance (1). 6 of the submissions do not count toward it. Last evaluated 2019-05-17.

Conditions:
Cardiofaciocutaneous syndrome 4 (CFC4). Also called: MAP2K2-Related Cardiofaciocutaneous Syndrome. Identifiers: Orphanet 1340, MedGen C3809007, MONDO:0014114, OMIM 615280.
MAP2K2-related disorder. Also called: MAP2K2-related condition.
Noonan syndrome and Noonan-related syndrome. Identifiers: Orphanet 98733, MedGen C5681679, MONDO:0020297.
RASopathy. Also called: rasopathies; Noonan spectrum disorder. Identifiers: Orphanet 536391, MedGen C5555857, MONDO:0021060.

Allele frequency attached by ClinVar (database versions not stated): ExAC below 0.00001; gnomAD 0.00002 and 0.00003; gnomAD exomes 0.00002; TOPMed 0.00005.
gnomAD v4.1: 54 of 1,561,360 alleles (0.0035%); highest among the groups gnomAD compares: Admixed American, 0.0077%; no homozygotes.

Submissions (7):

ClinGen RASopathy Variant Curation Expert Panel
Classification: Uncertain significance for Noonan syndrome and Noonan-related syndrome. Last evaluated: 2019-05-17. Review status: reviewed by expert panel. Criteria: ClinGen RASopathy ACMG Specifications v1. Collection method: curation. Allele origin: germline. Inheritance: Autosomal dominant inheritance.
Comment: The c.692G>A (p.Arg231His) variant in MAP2K2 has been identified in a patient with clinical features consistent with cardiomyopathy (PS4 not met; Invitae internal data, GTR Lab ID 500031; ClinVar SCV000776886.1). The variant is located in the MAP2K2 gene, which has been defined by the ClinGen RASopathy Expert Panel as a gene with a low rate of benign missense variants and pathogenic missense variants are common (PP2; PMID: 29493581). Computational prediction tools and conservation analysis suggest that the p.Arg231His variant may impact the protein (PP3). In summary, the clinical significance of the p.Arg231His variant is uncertain. RASopathy-specific ACMG/AMP criteria applied (PMID:29493581): PP2, PP3.

Labcorp Genetics (formerly Invitae), Labcorp
Classification: Uncertain significance for RASopathy. Last evaluated: 2026-01-25. Review status: criteria provided, single submitter. Criteria: Invitae Variant Classification Sherloc (09022015). Collection method: clinical testing. Allele origin: germline. Not counted in ClinVar's aggregate classification.
Comment: This sequence change replaces arginine, which is basic and polar, with histidine, which is basic and polar, at codon 231 of the MAP2K2 protein (p.Arg231His). This variant is present in population databases (rs730880511, gnomAD 0.009%). This variant has not been reported in the literature in individuals affected with MAP2K2-related conditions. ClinVar contains an entry for this variant (Variation ID: 543999). Invitae Evidence Modeling incorporating data from in vitro experimental studies (internal data) indicates that this missense variant is not expected to disrupt MAP2K2 function with a negative predictive value of 95%. In summary, the available evidence is currently insufficient to determine the role of this variant in disease. Therefore, it has been classified as a Variant of Uncertain Significance.

GeneDx
Classification: Uncertain significance. Last evaluated: 2024-12-09. Review status: criteria provided, single submitter. Criteria: GeneDx Variant Classification Process June 2021. Collection method: clinical testing. Allele origin: germline. Affected: yes. Not counted in ClinVar's aggregate classification.
Comment: Has not been previously published in association with a MAP2K2-related disorder to our knowledge; Missense variants in this gene are often considered pathogenic (HGMD); In silico analysis supports that this missense variant has a deleterious effect on protein structure/function; This variant is associated with the following publications: (PMID: 29493581, 34551074, 24782526)

Blueprint Genetics
Classification: Likely benign. Last evaluated: 2024-10-03. Review status: criteria provided, single submitter. Criteria: ACMG Guidelines, 2015. Collection method: clinical testing. Allele origin: germline. Not counted in ClinVar's aggregate classification.

Fulgent Genetics
Classification: Uncertain significance for Cardiofaciocutaneous syndrome 4. Last evaluated: 2024-01-29. Review status: criteria provided, single submitter. Criteria: ACMG Guidelines, 2015. Collection method: clinical testing. Allele origin: germline. Not counted in ClinVar's aggregate classification.

AiLife Diagnostics
Classification: Uncertain significance. Last evaluated: 2022-01-10. Review status: criteria provided, single submitter. Criteria: ACMG Guidelines, 2015. Collection method: clinical testing. Allele origin: germline. Affected: yes. Observed: 1 variant allele. Not counted in ClinVar's aggregate classification.

PreventionGenetics, part of Exact Sciences
Classification: Uncertain significance for MAP2K2-related condition. Last evaluated: 2024-09-06. Review status: no assertion criteria provided. Collection method: clinical testing. Allele origin: germline. Not counted in ClinVar's aggregate classification.
Comment: The MAP2K2 c.692G>A variant is predicted to result in the amino acid substitution p.Arg231His. To our knowledge, this variant has not been reported in the literature. This variant is reported in 0.0080% of alleles in individuals of East Asian descent in gnomAD. At this time, the clinical significance of this variant is uncertain due to the absence of conclusive functional and genetic evidence.

NM_030662.4(MAP2K2):c.692G>A (p.Arg231His)

Gene: MAP2K2 (mitogen-activated protein kinase kinase 2; minus strand). Cytogenetic location: 19p13.3.
Variant type: single nucleotide variant.
Coding change: c.692G>A on transcript NM_030662.4 (MANE Select); coding-DNA position 692, G replaced by A.
Protein change: p.Arg231His; replaces arginine 231 with histidine.
Molecular consequence: missense variant.
Genome position (GRCh38, 1-based): chr19:4,101,032, C>T on the plus strand (G>A on the coding strand, the complement: MAP2K2 is on the minus strand). VCF-style: chr19-4101032-C-T. GRCh37 (hg19) VCF-style: chr19-4101030-C-T.
Other names: NM_030662.3(MAP2K2):c.692G>A; short protein forms R231H.
Identifiers: ClinVar variation 543999 (VCV000543999.15), dbSNP rs730880511, ClinGen allele CA9090854.